The following is an entry in ClinVar:

NM_033641.4(COL4A6):c.1642A>G (p.Ile548Val)

Gene: COL4A6 (collagen type IV alpha 6 chain; minus strand). Cytogenetic location: Xq22.3.
Variant type: single nucleotide variant.
Coding change: c.1642A>G on transcript NM_033641.4 (MANE Select); coding-DNA position 1642, A replaced by G.
Protein change: p.Ile548Val; replaces isoleucine 548 with valine.
Molecular consequence: missense variant.
Genome position (GRCh38, 1-based): chrX:108,187,973, T>C on the plus strand (A>G on the coding strand, the complement: COL4A6 is on the minus strand). VCF-style: chrX-108187973-T-C. GRCh37 (hg19) VCF-style: chrX-107431203-T-C.
Other names: c.1642A>G, p.Ile548Val (NM_001287758.2, NM_001287759.2, NM_001287760.2); c.1645A>G, p.Ile549Val (NM_001847.4); short protein forms I549V, I548V.
Identifiers: ClinVar variation 3702995 (VCV003702995.2).

ClinVar aggregate classification (germline): Uncertain significance (1 of 4 stars; one submission).

Submission:

Labcorp Genetics (formerly Invitae), Labcorp
Classification: Uncertain significance. Last evaluated: 2024-07-24. Review status: criteria provided, single submitter. Criteria: Invitae Variant Classification Sherloc (09022015). Collection method: clinical testing. Allele origin: germline.
Comment: This sequence change replaces isoleucine, which is neutral and non-polar, with valine, which is neutral and non-polar, at codon 549 of the COL4A6 protein (p.Ile549Val). This variant is present in population databases (rs756076131, gnomAD 0.01%). This variant has not been reported in the literature in individuals affected with COL4A6-related conditions. Advanced modeling of protein sequence and biophysical properties (such as structural, functional, and spatial information, amino acid conservation, physicochemical variation, residue mobility, and thermodynamic stability) performed at Invitae indicates that this missense variant is not expected to disrupt COL4A6 protein function with a negative predictive value of 80%. In summary, the available evidence is currently insufficient to determine the role of this variant in disease. Therefore, it has been classified as a Variant of Uncertain Significance.